The following is an entry in ClinVar:

NM_018834.6(MATR3):c.1130-15T>C

Gene: MATR3 (matrin 3; plus strand). Cytogenetic location: 5q31.2.
Variant type: single nucleotide variant.
Coding change: c.1130-15T>C on transcript NM_018834.6 (MANE Select); 15 bases into the intron before coding-DNA position 1130, T replaced by C.
Molecular consequence: intron variant.
Genome position (GRCh38, 1-based): chr5:139,317,038, T>C. VCF-style: chr5-139317038-T-C. GRCh37 (hg19) VCF-style: chr5-138652727-T-C.
Other names: c.1130-15T>C (NM_001400451.1, NM_001400450.1, NM_001400441.1 and 16 more transcripts); c.269-15T>C (NM_001400459.1); c.116-15T>C (NM_001400463.1, NM_001400460.1, NM_001282278.2 and 5 more transcripts); c.230-15T>C (NM_001400461.1); c.266-15T>C (NM_001194956.2).
Identifiers: ClinVar variation 2065427 (VCV002065427.4), dbSNP rs774202102, ClinGen allele CA804607086.

ClinVar aggregate classification (germline): Uncertain significance (1 of 4 stars; one submission).

Conditions:
Amyotrophic lateral sclerosis type 21. Also called: VOCAL CORD AND PHARYNGEAL DYSFUNCTION WITH DISTAL MYOPATHY; MYOPATHY, DISTAL, 2. Identifiers: Orphanet 600, Orphanet 803, MedGen C3807521, MONDO:0011632, OMIM 606070.

gnomAD v4.1: 4 of 1,606,298 alleles (0.00025%); highest among the groups gnomAD compares: East Asian, 0.0022%; no homozygotes.

Submission:

Labcorp Genetics (formerly Invitae), Labcorp
Classification: Uncertain significance for Amyotrophic lateral sclerosis type 21. Last evaluated: 2022-06-24. Review status: criteria provided, single submitter. Criteria: Invitae Variant Classification Sherloc (09022015). Collection method: clinical testing. Allele origin: germline.
Comment: Algorithms developed to predict the effect of sequence changes on RNA splicing suggest that this variant may disrupt the consensus splice site. In summary, the available evidence is currently insufficient to determine the role of this variant in disease. Therefore, it has been classified as a Variant of Uncertain Significance. This sequence change falls in intron 8 of the MATR3 gene. It does not directly change the encoded amino acid sequence of the MATR3 protein. This variant is not present in population databases (gnomAD no frequency). This variant has not been reported in the literature in individuals affected with MATR3-related conditions.